The following is an entry in ClinVar:

ClinVar aggregate classification (germline): Benign/Likely benign. Review status: criteria provided, multiple submitters, no conflicts (2 of 4 stars). 7 submissions from 7 submitters: Benign (6); Likely benign (1). Last evaluated 2026-02-04.

Conditions:
Combined immunodeficiency due to ZAP70 deficiency (IMD48). Also called: ZAP70 Deficiency; Immunodeficiency 48. Identifiers: Orphanet 911, MedGen C2931299, MONDO:0010023, OMIM 269840.

Allele frequency attached by ClinVar (database versions not stated): 1000 Genomes Project 30x 0.16318; gnomAD exomes 0.33564 and 0.30479; ExAC 0.29641; TOPMed 0.24262; ESP Exome Variant Server 0.25065; gnomAD 0.26277 and 0.26795; 1000 Genomes Project 0.16234.
gnomAD v4.1: 527,896 of 1,613,806 alleles (33%); highest among the groups gnomAD compares: Non-Finnish European, 36%; 94,952 homozygotes.

Submissions (7):

Labcorp Genetics (formerly Invitae), Labcorp
Classification: Benign for Combined immunodeficiency due to ZAP70 deficiency. Last evaluated: 2026-02-04. Review status: criteria provided, single submitter. Criteria: Invitae Variant Classification Sherloc (09022015). Collection method: clinical testing. Allele origin: germline.

Blueprint Genetics
Classification: Likely benign. Last evaluated: 2024-11-26. Review status: criteria provided, single submitter. Criteria: ACMG Guidelines, 2015. Collection method: clinical testing. Allele origin: germline.

Unidad de Genómica Garrahan, Hospital de Pediatría Garrahan
Classification: Benign. Last evaluated: 2023-11-12. Review status: criteria provided, single submitter. Criteria: ACMG Guidelines, 2015. Collection method: clinical testing. Allele origin: germline. Affected: no. Observed: 52 variant alleles.
Comment: This variant is classified as Benign based on local population frequency. This variant was detected in 54% of patients studied by a panel of primary immunodeficiencies. Number of patients: 52. Only high quality variants are reported.

Illumina Laboratory Services, Illumina
Classification: Benign for Combined immunodeficiency due to ZAP70 deficiency. Last evaluated: 2018-01-13. Review status: criteria provided, single submitter. Criteria: ICSL Variant Classification Criteria 13 December 2019. Collection method: clinical testing. Allele origin: germline.
Comment: This variant was observed in the ICSL laboratory as part of a predisposition screen in an ostensibly healthy population. It had not been previously curated by ICSL or reported in the Human Gene Mutation Database (HGMD: prior to June 1st, 2018), and was therefore a candidate for classification through an automated scoring system. Utilizing variant allele frequency, disease prevalence and penetrance estimates, and inheritance mode, an automated score was calculated to assess if this variant is too frequent to cause the disease. Based on the score and internal cut-off values, a variant classified as benign is not then subjected to further curation. The score for this variant resulted in a classification of benign for this disease.

Laboratory for Molecular Medicine, Mass General Brigham Personalized Medicine
Classification: Benign. Last evaluated: 2016-03-28. Review status: criteria provided, single submitter. Criteria: LMM Criteria. Collection method: clinical testing. Allele origin: germline.
Comment: Variant identified in a genome or exome case(s) and assessed due to predicted null impact of the variant or pathogenic assertions in the literature or databases. Disclaimer: This variant has not undergone full assessment. The following are preliminary notes: Frequency

GeneDx
Classification: Benign. Last evaluated: 2013-01-07. Review status: criteria provided, single submitter. Criteria: GeneDx Variant Classification (06012015). Collection method: clinical testing. Allele origin: germline. Affected: yes.
Comment: This variant is considered likely benign or benign based on one or more of the following criteria: it is a conservative change, it occurs at a poorly conserved position in the protein, it is predicted to be benign by multiple in silico algorithms, and/or has population frequency not consistent with disease.

Breakthrough Genomics
Classification: Benign. Review status: criteria provided, single submitter. Criteria: ACMG Guidelines, 2015. Collection method: not provided. Allele origin: germline. Inheritance: Autosomal recessive inheritance. Affected: yes.

NM_001079.4(ZAP70):c.1482+11G>T

Gene: ZAP70 (zeta chain of T cell receptor associated protein kinase 70; plus strand). Cytogenetic location: 2q11.2.
Variant type: single nucleotide variant.
Coding change: c.1482+11G>T on transcript NM_001079.4 (MANE Select); 11 bases into the intron after coding-DNA position 1482, G replaced by T.
Molecular consequence: intron variant.
Genome position (GRCh38, 1-based): chr2:97,737,676, G>T. VCF-style: chr2-97737676-G-T. GRCh37 (hg19) VCF-style: chr2-98354139-G-T.
Other names: c.1482+11G>T (NM_001378594.1); c.561+11G>T (NM_207519.2).
Identifiers: ClinVar variation 137940 (VCV000137940.20), dbSNP rs17488834, ClinGen allele CA291661.
Genomic context (GRCh38, chr2:97,737,676, plus strand): 5'-GCGACTTTGGCCTCTCCAAAGCACTGGGTGCCGACGACAGCTACTACACTGTAAGCCTCT[G>T]CCCCTGTGATGCCCGACTGGATGGGCTGGGTGGGTAGAGGGTCCCTGACCCCTGATCCAG-3'